The following is an entry in ClinVar:

ClinVar aggregate classification (germline): Pathogenic (1 of 4 stars; one submission).

Conditions:
Hereditary cancer-predisposing syndrome. Also called: Neoplastic Syndromes, Hereditary; Tumor predisposition; Hereditary neoplastic syndrome; Hereditary Cancer Syndrome. Identifiers: Orphanet 140162, MedGen C0027672, MeSH D009386, MONDO:0015356.

Submission:

Ambry Genetics
Classification: Pathogenic for Hereditary cancer-predisposing syndrome. Last evaluated: 2024-03-07. Review status: criteria provided, single submitter. Criteria: Ambry Variant Classification Scheme 2023. Collection method: clinical testing. Allele origin: germline.
Comment: The c.2724delC pathogenic mutation, located in coding exon 16 of the DICER1 gene, results from a deletion of one nucleotide at nucleotide position 2724, causing a translational frameshift with a predicted alternate stop codon (p.I909Ffs*16). This alteration is expected to result in loss of function by premature protein truncation or nonsense-mediated mRNA decay. This variant is considered to be rare based on population cohorts in the Genome Aggregation Database (gnomAD). As such, this alteration is interpreted as a disease-causing mutation.

NM_177438.3(DICER1):c.2724del (p.Ile909fs)

Gene: DICER1 (dicer 1, ribonuclease III; minus strand). Cytogenetic location: 14q32.13.
Variant type: Deletion.
Coding change: c.2724del on transcript NM_177438.3 (MANE Select); coding-DNA position 2724, one base deleted (C; older notation c.2724delC).
Protein change: p.Ile909fs; shifts the reading frame from isoleucine 909.
Molecular consequence: frameshift variant. On other transcripts: non-coding transcript variant (6).
Genome position (GRCh38, 1-based): chr14:95,107,688, G deleted on the plus strand (C on the coding strand, the reverse complement: DICER1 is on the minus strand). VCF-style (leftmost placement, unchanged base first): chr14-95107687-TG-T. GRCh37 (hg19) VCF-style: chr14-95574024-TG-T.
Other names: c.2724del, p.Ile909fs (NM_001195573.1, NM_001271282.3, NM_001291628.2 and 12 more transcripts); c.2724delC, p.Ile909Phefs (NM_001395681.1); c.2442del, p.Ile815fs (NM_001395686.1); c.2319del, p.Ile774fs (NM_001395687.1, NM_001395688.1, NM_001395689.1 and 2 more transcripts); c.2157del, p.Ile720fs (NM_001395691.1); c.1041del, p.Ile348fs (NM_001395697.1); short protein forms I348fs, I720fs, I774fs, I815fs, I909fs.
Identifiers: ClinVar variation 3229343 (VCV003229343.1), dbSNP rs2542830314, ClinGen allele CA2825002251.
Genomic context (GRCh38, chr14:95,107,687, plus strand): 5'-CTTGGTAATCTTCTAATTTAAAAACAAAGGGTGTTTCTTTTGTATACTTTGTACTGGGAA[TG>T]CCTATGCGAGCTTCAGACTTCTCAATATCTTCCATGAATTTAAAGTCAATATCCAAAGTG-3'